The following is an entry in ClinVar:

ClinVar aggregate classification (germline): Uncertain significance (1 of 4 stars; one submission).

Submission:

Labcorp Genetics (formerly Invitae), Labcorp
Classification: Uncertain significance. Last evaluated: 2021-06-20. Review status: criteria provided, single submitter. Criteria: Invitae Variant Classification Sherloc (09022015). Collection method: clinical testing. Allele origin: germline.
Comment: This sequence change replaces phenylalanine with valine at codon 2720 of the VCAN protein (p.Phe2720Val). The phenylalanine residue is highly conserved and there is a small physicochemical difference between phenylalanine and valine. This variant is not present in population databases (ExAC no frequency). In summary, the available evidence is currently insufficient to determine the role of this variant in disease. Therefore, it has been classified as a Variant of Uncertain Significance. Algorithms developed to predict the effect of missense changes on protein structure and function are either unavailable or do not agree on the potential impact of this missense change (SIFT: "Deleterious"; PolyPhen-2: "Possibly Damaging"; Align-GVGD: "Class C0"). This variant has not been reported in the literature in individuals with VCAN-related conditions.

NM_004385.5(VCAN):c.8158T>G (p.Phe2720Val)

Genes: VCAN (versican; plus strand), VCAN-AS1 (VCAN antisense RNA 1; minus strand). Cytogenetic location: 5q14.3.
Variant type: single nucleotide variant.
Coding change: c.8158T>G on transcript NM_004385.5 (MANE Select); coding-DNA position 8158, T replaced by G.
Protein change: p.Phe2720Val; replaces phenylalanine 2720 with valine.
Molecular consequence: missense variant. On other transcripts: intron variant (2).
Genome position (GRCh38, 1-based): chr5:83,541,161, T>G. VCF-style: chr5-83541161-T-G. GRCh37 (hg19) VCF-style: chr5-82836980-T-G.
Other names: c.5197T>G, p.Phe1733Val (NM_001164097.2); c.4004-4376T>G (NM_001164098.2); c.1043-4376T>G (NM_001126336.3); short protein forms F1733V, F2720V.
Identifiers: ClinVar variation 1402124 (VCV001402124.8), dbSNP rs2112449150, ClinGen allele CA360316301.
Genomic context (GRCh38, chr5:83,541,161, plus strand): 5'-GCCACAGTTATTCCAGAGATTGAAGGAATAAAAGCTGAAGCAAAAGCCCTGGATGACATG[T>G]TTGAATCAAGCACTTTGTCTGATGGTCAAGCTATTGCAGACCAAAGTGAAATAATACCAA-3'
Protein context (NP_004376.2, residues 2710-2730): KAEAKALDDM[Phe2720Val]ESSTLSDGQA